The following is an entry in ClinVar:

ClinVar aggregate classification (germline): Uncertain significance. Review status: criteria provided, multiple submitters, no conflicts (2 of 4 stars). 7 submissions from 7 submitters: Uncertain significance (6). 1 of the submissions does not count toward it. Last evaluated 2024-07-08.

Conditions:
Hereditary cancer-predisposing syndrome. Also called: Tumor predisposition; Neoplastic Syndromes, Hereditary; Hereditary Cancer Syndrome; Hereditary neoplastic syndrome. Identifiers: Orphanet 140162, MedGen C0027672, MeSH D009386, MONDO:0015356.
Ataxia-telangiectasia syndrome (AT). Also called: Ataxia telangiectasia (A-T); Cerebello-oculocutaneous telangiectasia; Immunodeficiency with ataxia telangiectasia; ATAXIA-TELANGIECTASIA, COMPLEMENTATION GROUP A; ATAXIA-TELANGIECTASIA, FRESNO VARIANT; Ataxia-telangiectasia. Identifiers: Orphanet 100, MedGen C0004135, MONDO:0008840, OMIM 208900.

Allele frequency attached by ClinVar (database versions not stated): gnomAD exomes below 0.00001.
gnomAD v4.1: 1 of 1,603,286 alleles (0.000062%); highest among the groups gnomAD compares: Non-Finnish European, 0.000085%; no homozygotes.

Submissions (7):

Labcorp Genetics (formerly Invitae), Labcorp
Classification: Uncertain significance for Ataxia-telangiectasia syndrome. Last evaluated: 2024-07-08. Review status: criteria provided, single submitter. Criteria: Invitae Variant Classification Sherloc (09022015). Collection method: clinical testing. Allele origin: germline.
Comment: This sequence change replaces isoleucine, which is neutral and non-polar, with valine, which is neutral and non-polar, at codon 709 of the ATM protein (p.Ile709Val). This variant is not present in population databases (gnomAD no frequency). This variant has not been reported in the literature in individuals affected with ATM-related conditions. ClinVar contains an entry for this variant (Variation ID: 219803). Algorithms developed to predict the effect of missense changes on protein structure and function output the following: SIFT: "Not Available"; PolyPhen-2: "Benign"; Align-GVGD: "Not Available". The valine amino acid residue is found in multiple mammalian species, which suggests that this missense change does not adversely affect protein function. In summary, the available evidence is currently insufficient to determine the role of this variant in disease. Therefore, it has been classified as a Variant of Uncertain Significance.

Ambry Genetics
Classification: Uncertain significance for Hereditary cancer-predisposing syndrome. Last evaluated: 2023-11-23. Review status: criteria provided, single submitter. Criteria: Ambry Variant Classification Scheme 2023. Collection method: clinical testing. Allele origin: germline.
Comment: The p.I709V variant (also known as c.2125A>G) is located in coding exon 13 of the ATM gene. The isoleucine at codon 709 is replaced by valine, an amino acid with highly similar properties. This change occurs in the first base pair of coding exon 13. This amino acid position is conserved. In addition, this alteration is predicted to be tolerated by in silico analysis. Since supporting evidence is limited at this time, the clinical significance of this alteration remains unclear.

Blueprint Genetics
Classification: Uncertain significance. Last evaluated: 2023-09-04. Review status: criteria provided, single submitter. Criteria: ACMG Guidelines, 2015. Collection method: clinical testing. Allele origin: germline.

Color Diagnostics, LLC DBA Color Health
Classification: Uncertain significance for Hereditary cancer-predisposing syndrome. Last evaluated: 2023-07-19. Review status: criteria provided, single submitter. Criteria: ACMG Guidelines, 2015. Collection method: clinical testing. Allele origin: germline.
Comment: This missense variant replaces isoleucine with valine at codon 709 of the ATM protein. Computational prediction suggests that this variant may not impact protein structure and function (internally defined REVEL score threshold <= 0.5, PMID: 27666373). To our knowledge, functional studies have not been reported for this variant. This variant has not been reported in individuals affected with ATM-related disorders in the literature. This variant has not been identified in the general population by the Genome Aggregation Database (gnomAD). The available evidence is insufficient to determine the role of this variant in disease conclusively. Therefore, this variant is classified as a Variant of Uncertain Significance.

GeneDx
Classification: Uncertain significance. Last evaluated: 2021-11-04. Review status: criteria provided, single submitter. Criteria: GeneDx Variant Classification Process June 2021. Collection method: clinical testing. Allele origin: germline. Affected: yes.
Comment: Not observed at significant frequency in large population cohorts (Lek et al., 2016); In silico analysis supports that this missense variant does not alter protein structure/function; Has not been previously published as pathogenic or benign to our knowledge

Women's Health and Genetics/Laboratory Corporation of America, LabCorp
Classification: Uncertain significance. Last evaluated: 2017-09-15. Review status: criteria provided, single submitter. Criteria: LabCorp Variant Classification Summary - May 2015. Collection method: clinical testing. Allele origin: germline.
Comment: Variant summary: The ATM c.2125A>G (p.Ile709Val) variant involves the alteration of a non-conserved nucleotide that is the first exonic base at an intron/exon junction. 4/4 in silico tools predict a benign outcome for this variant (SNPsandGO not captured due to low reliability index). 3/5 splice prediction tools predict a potential impact on normal splicing. ESE finder predicts that this variant may affect ESE sites at the locus. However, these predictions have yet to be confirmed by functional studies. This variant is absent in 115526 control chromosomes. One clinical diagnostic laboratory classified this variant as uncertain significance. The variant of interest has not, to our knowledge, been reported in affected individuals via publications, nor evaluated for functional impact by in vivo/vitro studies. Because of the absence of clinical information and the lack of functional studies, the variant is classified as a variant of uncertain significance (VUS) until additional information becomes available.

Natera, Inc.
Classification: Uncertain significance for Ataxia-telangiectasia. Last evaluated: 2021-03-12. Review status: no assertion criteria provided. Collection method: clinical testing. Allele origin: germline. Not counted in ClinVar's aggregate classification.

NM_000051.4(ATM):c.2125A>G (p.Ile709Val)

Gene: ATM (ATM serine/threonine kinase; plus strand). Cytogenetic location: 11q22.3.
Variant type: single nucleotide variant.
Coding change: c.2125A>G on transcript NM_000051.4 (MANE Select); coding-DNA position 2125, A replaced by G.
Protein change: p.Ile709Val; replaces isoleucine 709 with valine.
Molecular consequence: missense variant.
Genome position (GRCh38, 1-based): chr11:108,256,215, A>G. VCF-style: chr11-108256215-A-G. GRCh37 (hg19) VCF-style: chr11-108126942-A-G.
Other names: c.2125A>G, p.Ile709Val (NM_001351834.2); short protein forms I709V.
Identifiers: ClinVar variation 219803 (VCV000219803.24), dbSNP rs864622259, ClinGen allele CA348661.